The following is an entry in ClinVar:

NM_020812.4(DOCK6):c.1839C>T (p.Pro613=)

Gene: DOCK6 (dedicator of cytokinesis 6; minus strand). Cytogenetic location: 19p13.2.
Variant type: single nucleotide variant.
Coding change: c.1839C>T on transcript NM_020812.4 (MANE Select); coding-DNA position 1839, C replaced by T.
Protein change: p.Pro613=; no amino-acid change (proline 613 retained).
Molecular consequence: synonymous variant.
Genome position (GRCh38, 1-based): chr19:11,237,773, G>A on the plus strand (C>T on the coding strand, the complement: DOCK6 is on the minus strand). VCF-style: chr19-11237773-G-A. GRCh37 (hg19) VCF-style: chr19-11348449-G-A.
Other names: c.1839C>T, p.Pro613= (NM_001367830.1).
Identifiers: ClinVar variation 1667712 (VCV001667712.17), dbSNP rs374861502, ClinGen allele CA9207819.

ClinVar aggregate classification (germline): Likely benign. Review status: criteria provided, multiple submitters, no conflicts (2 of 4 stars). 3 submissions from 3 submitters: Likely benign (3). Last evaluated 2025-07-01.

Allele frequency attached by ClinVar (database versions not stated): gnomAD 0.00006 and 0.00007; gnomAD exomes 0.00006 and 0.00008; TOPMed 0.00009; ESP Exome Variant Server 0.00016; ExAC 0.00018.
gnomAD v4.1: 92 of 1,566,486 alleles (0.0059%); highest among the groups gnomAD compares: African/African-American, 0.0068%; no homozygotes.

Submissions (3):

CeGaT Center for Human Genetics Tuebingen
Classification: Likely benign. Last evaluated: 2025-07-01. Review status: criteria provided, single submitter. Criteria: CeGaT Center For Human Genetics Tuebingen Variant Classification Criteria Version 2. Collection method: clinical testing. Allele origin: germline. Affected: yes. Observed: 1 variant allele.
Comment: DOCK6: BP4, BP7

Blueprint Genetics
Classification: Likely benign. Last evaluated: 2024-07-11. Review status: criteria provided, single submitter. Criteria: ACMG Guidelines, 2015. Collection method: clinical testing. Allele origin: germline.

Labcorp Genetics (formerly Invitae), Labcorp
Classification: Likely benign. Last evaluated: 2024-01-27. Review status: criteria provided, single submitter. Criteria: Invitae Variant Classification Sherloc (09022015). Collection method: clinical testing. Allele origin: germline.